The following is an entry in ClinVar:

NM_005992.1(TBX1):c.1111G>A (p.Asp371Asn)

Gene: TBX1 (T-box transcription factor 1; plus strand). Cytogenetic location: 22q11.21.
Variant type: single nucleotide variant.
Coding change: c.1111G>A on transcript NM_005992.1; coding-DNA position 1111, G replaced by A.
Protein change: p.Asp371Asn; replaces aspartic acid 371 with asparagine.
Molecular consequence: missense variant.
Genome position (GRCh38, 1-based): chr22:19,783,014, G>A. VCF-style: chr22-19783014-G-A. GRCh37 (hg19) VCF-style: chr22-19770537-G-A.
Other names: short protein forms D371N.
Identifiers: ClinVar variation 1030988 (VCV001030988.3), dbSNP rs1937156881, ClinGen allele CA410689196.

ClinVar aggregate classification (germline): Uncertain significance (1 of 4 stars; one submission).

Conditions:
Conotruncal heart malformations (CTHM). Also called: Conotruncal heart malformations, variable. Identifiers: Orphanet 2445, Orphanet 3384, Orphanet 3426, MedGen C1857586, MONDO:0016581, OMIM 217095.

Allele frequency attached by ClinVar (database versions not stated): gnomAD exomes below 0.00001; TOPMed below 0.00001; gnomAD 0.00001.
gnomAD v4.1: 2 of 1,032,110 alleles (0.00019%); highest among the groups gnomAD compares: Non-Finnish European, 0.00031%; no homozygotes.

Submission:

Baylor Genetics
Classification: Uncertain significance for Conotruncal heart malformations. Last evaluated: 2019-08-28. Review status: criteria provided, single submitter. Criteria: ACMG Guidelines, 2015. Collection method: clinical testing. Allele origin: unknown. Affected: yes.
Comment: This variant was determined to be of uncertain significance according to ACMG Guidelines, 2015 [PMID:25741868].